The following is an entry in ClinVar:

NM_032043.3(BRIP1):c.1641T>G (p.Asp547Glu)

Gene: BRIP1 (BRCA1 interacting DNA helicase 1; minus strand). Cytogenetic location: 17q23.2.
Variant type: single nucleotide variant.
Coding change: c.1641T>G on transcript NM_032043.3 (MANE Select); coding-DNA position 1641, T replaced by G.
Protein change: p.Asp547Glu; replaces aspartic acid 547 with glutamic acid.
Molecular consequence: missense variant.
Genome position (GRCh38, 1-based): chr17:61,780,993, A>C on the plus strand (T>G on the coding strand, the complement: BRIP1 is on the minus strand). VCF-style: chr17-61780993-A-C. GRCh37 (hg19) VCF-style: chr17-59858354-A-C.
Other names: short protein forms D547E.
Identifiers: ClinVar variation 186309 (VCV000186309.37), dbSNP rs754414731, ClinGen allele CA194431.

ClinVar aggregate classification (germline): Uncertain significance. Review status: criteria provided, multiple submitters, no conflicts (2 of 4 stars). 11 submissions from 11 submitters: Uncertain significance (10). 1 of the submissions does not count toward it. Last evaluated 2025-08-22.

Conditions:
Ovarian cancer. Also called: OVARIAN CANCER, SOMATIC. Identifiers: Orphanet 213500, MedGen C1140680, MONDO:0008170, OMIM 167000.
Fanconi anemia complementation group J. Also called: BRIP1-Related Fanconi Anemia. Identifiers: Orphanet 84, MedGen C1836860, MONDO:0012187, OMIM 609054.
Hereditary cancer-predisposing syndrome. Also called: Hereditary Cancer Syndrome; Neoplastic Syndromes, Hereditary; Tumor predisposition; Hereditary neoplastic syndrome. Identifiers: Orphanet 140162, MedGen C0027672, MeSH D009386, MONDO:0015356.
Familial cancer of breast. Also called: BREAST CANCER, FAMILIAL; Hereditary breast cancer; hereditary breast carcinoma. Identifiers: Orphanet 227535, MedGen C0346153, MONDO:0016419, OMIM 114480. Disease mechanism: loss of function.

Allele frequency attached by ClinVar (database versions not stated): gnomAD exomes below 0.00001; ExAC 0.00001; gnomAD 0.00001; TOPMed 0.00001.

Submissions (11):

Labcorp Genetics (formerly Invitae), Labcorp
Classification: Uncertain significance for Familial cancer of breast; Fanconi anemia complementation group J. Last evaluated: 2025-08-22. Review status: criteria provided, single submitter. Criteria: Invitae Variant Classification Sherloc (09022015). Collection method: clinical testing. Allele origin: germline.
Comment: This sequence change replaces aspartic acid, which is acidic and polar, with glutamic acid, which is acidic and polar, at codon 547 of the BRIP1 protein (p.Asp547Glu). This variant is present in population databases (rs754414731, gnomAD 0.0009%). This variant has not been reported in the literature in individuals affected with BRIP1-related conditions. ClinVar contains an entry for this variant (Variation ID: 186309). Invitae Evidence Modeling of protein sequence and biophysical properties (such as structural, functional, and spatial information, amino acid conservation, physicochemical variation, residue mobility, and thermodynamic stability) has been performed for this missense variant. However, the output from this modeling did not meet the statistical confidence thresholds required to predict the impact of this variant on BRIP1 protein function. In summary, the available evidence is currently insufficient to determine the role of this variant in disease. Therefore, it has been classified as a Variant of Uncertain Significance.

Ambry Genetics
Classification: Uncertain significance for Hereditary cancer-predisposing syndrome. Last evaluated: 2025-04-21. Review status: criteria provided, single submitter. Criteria: Ambry Variant Classification Scheme 2023. Collection method: clinical testing. Allele origin: germline.
Comment: The p.D547E variant (also known as c.1641T>G), located in coding exon 11 of the BRIP1 gene, results from a T to G substitution at nucleotide position 1641. The aspartic acid at codon 547 is replaced by glutamic acid, an amino acid with highly similar properties. This amino acid position is highly conserved in available vertebrate species. In addition, the in silico prediction for this alteration is inconclusive. Since supporting evidence is limited at this time, the clinical significance of this alteration remains unclear.

ARUP Laboratories, Molecular Genetics and Genomics, ARUP Laboratories
Classification: Uncertain significance. Last evaluated: 2024-09-24. Review status: criteria provided, single submitter. Criteria: ARUP Molecular Germline Variant Investigation Process 2024. Collection method: clinical testing. Allele origin: germline.
Comment: The BRIP1 c.1641T>G; p.Asp547Glu variant (rs754414731), to our knowledge, is not reported in the medical literature but is reported in ClinVar (Variation ID: 186309). This variant is only observed on one allele in the Genome Aggregation Database (v2.1.1), indicating it is not a common polymorphism. Computational analyses are uncertain whether this variant is neutral or deleterious (REVEL: 0.54). Due to limited information, the clinical significance of this variant is uncertain at this time.

Baylor Genetics
Classification: Uncertain significance for Familial cancer of breast. Last evaluated: 2023-12-18. Review status: criteria provided, single submitter. Criteria: ACMG Guidelines, 2015. Collection method: clinical testing. Allele origin: unknown.

Color Diagnostics, LLC DBA Color Health
Classification: Uncertain significance for Hereditary cancer-predisposing syndrome. Last evaluated: 2023-12-05. Review status: criteria provided, single submitter. Criteria: ACMG Guidelines, 2015. Collection method: clinical testing. Allele origin: germline.
Comment: This missense variant replaces aspartic acid with glutamic acid at codon 547 of the BRIP1 protein. Computational prediction is inconclusive regarding the impact of this variant on protein structure and function (internally defined REVEL score threshold 0.5 < inconclusive < 0.7, PMID: 27666373). To our knowledge, functional studies have not been reported for this variant. This variant has not been reported in individuals affected with BRIP1-related disorders in the literature. This variant has been identified in 1/251162 chromosomes in the general population by the Genome Aggregation Database (gnomAD). The available evidence is insufficient to determine the role of this variant in disease conclusively. Therefore, this variant is classified as a Variant of Uncertain Significance.

GeneDx
Classification: Uncertain significance. Last evaluated: 2023-08-21. Review status: criteria provided, single submitter. Criteria: GeneDx Variant Classification Process June 2021. Collection method: clinical testing. Allele origin: germline. Affected: yes.
Comment: Not observed at significant frequency in large population cohorts (gnomAD); In silico analysis supports that this missense variant has a deleterious effect on protein structure/function; Has not been previously published as pathogenic or benign to our knowledge

Myriad Genetics, Inc.
Classification: Uncertain significance for Familial cancer of breast. Last evaluated: 2023-02-28. Review status: criteria provided, single submitter. Criteria: Myriad Autosomal Dominant, Autosomal Recessive and X-Linked Classification Criteria (2023). Collection method: clinical testing. Allele origin: unknown.
Comment: This variant is classified as a variant of uncertain significance as there is insufficient evidence to determine its impact on protein function and/or cancer risk.

St. Jude Molecular Pathology, St. Jude Children's Research Hospital
Classification: Uncertain significance for Fanconi anemia complementation group J. Last evaluated: 2022-02-24. Review status: criteria provided, single submitter. Criteria: St. Jude Assertion Criteria 2020. Collection method: clinical testing. Allele origin: germline.
Comment: The BRIP1 c.1641T>G (p.Asp547Glu) missense change has a maximum subpopulation frequency of 0.00088% in gnomAD v2.1.1 (PM2_supporting ). Six of seven in silico tools predict a deleterious effect of this variant on protein function (PP3), but to our knowledge these predictions have not been confirmed by functional assays. To our knowledge, this variant has not been reported in the literature in individuals with Fanconi anemia or individuals with hereditary breast and ovarian cancer syndrome. This variant is absent in the FLOSSIES database which contains genetic variants from women older than 70 years of age who have never had cancer. In summary, this variant meets criteria to be classified as of uncertain significance based on the ACMG/AMP criteria: PM2_supporting, PP3.

Sema4
Classification: Uncertain significance for Hereditary cancer-predisposing syndrome. Last evaluated: 2022-01-02. Review status: criteria provided, single submitter. Criteria: Sema4 Curation Guidelines. Collection method: curation. Allele origin: germline.
Comment: To the best of our knowledge, the BRIP1 c.1641T>G (p.D547E) variant has not been reported in individuals with BRIP1-related disease. This variant has been reported in 1/113652 chromosomes in the Non-Finnish European subpopulation in the large and broad cohorts of the Genome Aggregation Database (PMID: 32461654). This variant has been reported in ClinVar (Variation ID: 186309). Functional studies have not been performed, and in silico predictions of the variant's effect on protein function are inconclusive. The evidence is insufficient to meet ACMG/AMP criteria for classifying the variant as benign or pathogenic. Thus, the clinical significance of this variant is currently uncertain.

Quest Diagnostics Nichols Institute San Juan Capistrano
Classification: Uncertain significance. Last evaluated: 2018-03-07. Review status: criteria provided, single submitter. Criteria: Quest Diagnostics criteria. Collection method: clinical testing. Allele origin: germline.

Counsyl
Classification: Uncertain significance for Fanconi anemia complementation group J; Ovarian cancer. Last evaluated: 2018-01-15. Review status: no assertion criteria provided. Collection method: clinical testing. Allele origin: unknown. Not counted in ClinVar's aggregate classification.